The following is an entry in ClinVar:

ClinVar aggregate classification (germline): Uncertain significance (1 of 4 stars; one submission).

Conditions:
Cardiovascular phenotype. Identifiers: MedGen CN230736.

Allele frequency attached by ClinVar (database versions not stated): gnomAD 0.00001.
gnomAD v4.1: 6 of 1,603,630 alleles (0.00037%); highest among the groups gnomAD compares: East Asian, 0.009%; no homozygotes.

Submission:

Ambry Genetics
Classification: Uncertain significance for Cardiovascular phenotype. Last evaluated: 2022-08-10. Review status: criteria provided, single submitter. Criteria: Ambry Variant Classification Scheme 2023. Collection method: clinical testing. Allele origin: germline.
Comment: The c.27G>A variant (also known as p.E9E), located in coding exon 1 of the NEXN gene. This variant results from a G to A substitution at nucleotide position 27. This nucleotide substitution does not change the glutamic acid at codon 9. However, this change occurs in the last base pair of coding exon 1, which makes it likely to have some effect on normal mRNA splicing. This nucleotide position is highly conserved in available vertebrate species. In silico splice site analysis for this alteration is inconclusive. Since supporting evidence is limited at this time, the clinical significance of this alteration remains unclear.

NM_144573.4(NEXN):c.27G>A (p.Glu9=)

Gene: NEXN (nexilin F-actin binding protein; plus strand). Cytogenetic location: 1p31.1.
Variant type: single nucleotide variant.
Coding change: c.27G>A on transcript NM_144573.4 (MANE Select); coding-DNA position 27, G replaced by A.
Protein change: p.Glu9=; no amino-acid change (glutamic acid 9 retained).
Molecular consequence: synonymous variant.
Genome position (GRCh38, 1-based): chr1:77,916,133, G>A. VCF-style: chr1-77916133-G-A. GRCh37 (hg19) VCF-style: chr1-78381818-G-A.
Other names: c.27G>A, p.Glu9= (NM_001172309.2).
Identifiers: ClinVar variation 1796186 (VCV001796186.2), dbSNP rs1648957766, ClinGen allele CA418570897.